The following is an entry in ClinVar:

NM_144672.4(OTOA):c.755G>A (p.Trp252Ter)

Gene: OTOA (otoancorin). Cytogenetic location: 16p12.2.
Variant type: single nucleotide variant.
Coding change: c.755G>A on transcript NM_144672.4 (MANE Select); coding-DNA position 755, G replaced by A.
Protein change: p.Trp252Ter; replaces tryptophan 252 with a stop codon.
Molecular consequence: nonsense.
Genome position (GRCh38, 1-based): chr16:21,697,790, G>A. VCF-style: chr16-21697790-G-A. GRCh37 (hg19) VCF-style: chr16-21709111-G-A.
Other names: c.518G>A, p.Trp173Ter (NM_001161683.2); short protein forms W252*, W173*.
Identifiers: ClinVar variation 252785 (VCV000252785.8), dbSNP rs879255431, ClinGen allele CA10586024.

ClinVar aggregate classification (germline): Pathogenic/Likely pathogenic. Review status: criteria provided, multiple submitters, no conflicts (2 of 4 stars). 5 submissions from 5 submitters: Pathogenic (3); Likely pathogenic (2). Last evaluated 2026-09-01.

Conditions:
OTOA-related disorder. Also called: OTOA-related condition.

Allele frequency attached by ClinVar (database versions not stated): gnomAD exomes below 0.00001; gnomAD 0.00001; TOPMed 0.00001.
gnomAD v4.1: 7 of 1,613,924 alleles (0.00043%); highest among the groups gnomAD compares: African/African-American, 0.0027%; no homozygotes.

Submissions (5):

CeGaT Center for Human Genetics Tuebingen
Classification: Pathogenic. Last evaluated: 2026-09-01. Review status: criteria provided, single submitter. Criteria: CeGaT Center For Human Genetics Tuebingen Variant Classification Criteria Version 2. Collection method: clinical testing. Allele origin: germline. Affected: yes. Observed: 1 variant allele.
Comment: OTOA: PVS1, PM2, PM3

Blueprint Genetics
Classification: Likely pathogenic for OTOA-related disorders. Last evaluated: 2024-10-14. Review status: criteria provided, single submitter. Criteria: ACMG Guidelines, 2015. Collection method: clinical testing. Allele origin: germline. Affected: yes. Observed: 2 variant alleles.

Labcorp Genetics (formerly Invitae), Labcorp
Classification: Pathogenic. Last evaluated: 2023-04-28. Review status: criteria provided, single submitter. Criteria: Invitae Variant Classification Sherloc (09022015). Collection method: clinical testing. Allele origin: germline.
Comment: This sequence change creates a premature translational stop signal (p.Trp252*) in the OTOA gene. It is expected to result in an absent or disrupted protein product. Loss-of-function variants in OTOA are known to be pathogenic (PMID: 11972037). This variant is present in population databases (no rsID available, gnomAD 0.0009%). For these reasons, this variant has been classified as Pathogenic. ClinVar contains an entry for this variant (Variation ID: 252785). This variant has not been reported in the literature in individuals affected with OTOA-related conditions.

GeneDx
Classification: Likely pathogenic. Last evaluated: 2021-07-26. Review status: criteria provided, single submitter. Criteria: GeneDx Variant Classification Process June 2021. Collection method: clinical testing. Allele origin: germline. Affected: yes.
Comment: Nonsense variant predicted to result in protein truncation or nonsense mediated decay in a gene for which loss-of-function is a known mechanism of disease; Not observed at significant frequency in large population cohorts (Lek et al., 2016); Has not been previously published as pathogenic or benign to our knowledge

Genomic Diagnostic Laboratory, Division of Genomic Diagnostics, Children's Hospital of Philadelphia
Classification: Pathogenic. Last evaluated: 2015-10-16. Review status: criteria provided, single submitter. Criteria: DGD Variant Analysis Guidelines. Collection method: clinical testing. Allele origin: unknown.

Literature cited by the submitters: PubMed 11972037 (cited by Labcorp Genetics (formerly Invitae), Labcorp).